The following is an entry in ClinVar:

NM_032816.5(CEP89):c.1816G>A (p.Ala606Thr)

Gene: CEP89 (centrosomal protein 89; minus strand). Cytogenetic location: 19q13.11.
Variant type: single nucleotide variant.
Coding change: c.1816G>A on transcript NM_032816.5 (MANE Select); coding-DNA position 1816, G replaced by A.
Protein change: p.Ala606Thr; replaces alanine 606 with threonine.
Molecular consequence: missense variant.
Genome position (GRCh38, 1-based): chr19:32,899,916, C>T on the plus strand (G>A on the coding strand, the complement: CEP89 is on the minus strand). VCF-style: chr19-32899916-C-T. GRCh37 (hg19) VCF-style: chr19-33390822-C-T.
Other names: short protein forms A606T.
Identifiers: ClinVar variation 2966710 (VCV002966710.3), dbSNP rs753568653, ClinGen allele CA9359162.
Genomic context (GRCh38, chr19:32,899,916, plus strand): 5'-CCAAACACATAAGACTGTCACGTTCCTGGGTTATGTTTTCTGCCAGGCCAACAAGGTTTG[C>T]CAGGTACTGATGAGCAGACATTTCGTTCCCCATGGCTTTTTCCACCTGCTTTTTGAGGAC-3'
Protein context (NP_116205.3, residues 596-616): GNEMSAHQYL[Ala606Thr]NLVGLAENIT

ClinVar aggregate classification (germline): Uncertain significance (1 of 4 stars; one submission).

Allele frequency attached by ClinVar (database versions not stated): gnomAD exomes 0.00003; TOPMed 0.00004; ExAC 0.00007.
gnomAD v4.1: 16 of 1,613,942 alleles (0.00099%); highest among the groups gnomAD compares: Admixed American, 0.027%; no homozygotes.

Submission:

Labcorp Genetics (formerly Invitae), Labcorp
Classification: Uncertain significance. Last evaluated: 2026-01-12. Review status: criteria provided, single submitter. Criteria: Invitae Variant Classification Sherloc (09022015). Collection method: clinical testing. Allele origin: germline.
Comment: This sequence change replaces alanine, which is neutral and non-polar, with threonine, which is neutral and polar, at codon 606 of the CEP89 protein (p.Ala606Thr). This variant is present in population databases (rs753568653, gnomAD 0.04%). This variant has not been reported in the literature in individuals affected with CEP89-related conditions. ClinVar contains an entry for this variant (Variation ID: 2966710). An algorithm developed to predict the effect of missense changes on protein structure and function outputs the following: PolyPhen-2: "Benign". The threonine amino acid residue is found in multiple mammalian species, which suggests that this missense change does not adversely affect protein function. In summary, the available evidence is currently insufficient to determine the role of this variant in disease. Therefore, it has been classified as a Variant of Uncertain Significance.